The following is an entry in ClinVar:

NM_001845.6(COL4A1):c.1235T>C (p.Leu412Pro)

Gene: COL4A1 (collagen type IV alpha 1 chain; minus strand). Cytogenetic location: 13q34.
Variant type: single nucleotide variant.
Coding change: c.1235T>C on transcript NM_001845.6 (MANE Select); coding-DNA position 1235, T replaced by C.
Protein change: p.Leu412Pro; replaces leucine 412 with proline.
Molecular consequence: missense variant.
Genome position (GRCh38, 1-based): chr13:110,198,517, A>G on the plus strand (T>C on the coding strand, the complement: COL4A1 is on the minus strand). VCF-style: chr13-110198517-A-G. GRCh37 (hg19) VCF-style: chr13-110850864-A-G.
Other names: c.1235T>C, p.Leu412Pro (NM_001303110.2); short protein forms L412P.
Identifiers: ClinVar variation 3068972 (VCV003068972.2), dbSNP rs1047897312, ClinGen allele CA256278309.

ClinVar aggregate classification (germline): Uncertain significance (1 of 4 stars; one submission).

Allele frequency attached by ClinVar (database versions not stated): gnomAD 0.00001; TOPMed 0.00001.

Submission:

Women's Health and Genetics/Laboratory Corporation of America, LabCorp
Classification: Uncertain significance. Last evaluated: 2024-02-19. Review status: criteria provided, single submitter. Criteria: LabCorp Variant Classification Summary - May 2015. Collection method: clinical testing. Allele origin: germline.
Comment: Variant summary: COL4A1 c.1235T>C (p.Leu412Pro) results in a non-conservative amino acid change in the encoded protein sequence. Four of five in-silico tools predict a benign effect of the variant on protein function. The variant allele was found at a frequency of 6.6e-06 (i.e., 1 allele) in 152098 control chromosomes (gnomAD v4.0.0). The available data on variant occurrences in the general population are insufficient to allow any conclusion about variant significance. To our knowledge, no occurrence of c.1235T>C in individuals affected with Porencephaly 1 and no experimental evidence demonstrating its impact on protein function have been reported. No submitters have reported clinical-significance assessments for this variant to ClinVar. Based on the evidence outlined above, the variant was classified as uncertain significance.